The following is an entry in ClinVar:

ClinVar aggregate classification (germline): Uncertain significance (1 of 4 stars; one submission).

Conditions:
RASopathy. Also called: Noonan spectrum disorder; rasopathies. Identifiers: Orphanet 536391, MedGen C5555857, MONDO:0021060.

Submission:

Labcorp Genetics (formerly Invitae), Labcorp
Classification: Uncertain significance for RASopathy. Last evaluated: 2022-06-05. Review status: criteria provided, single submitter. Criteria: Invitae Variant Classification Sherloc (09022015). Collection method: clinical testing. Allele origin: germline.
Comment: In summary, the available evidence is currently insufficient to determine the role of this variant in disease. Therefore, it has been classified as a Variant of Uncertain Significance. Advanced modeling of protein sequence and biophysical properties (such as structural, functional, and spatial information, amino acid conservation, physicochemical variation, residue mobility, and thermodynamic stability) performed at Invitae indicates that this missense variant is not expected to disrupt CBL protein function. ClinVar contains an entry for this variant (Variation ID: 1427419). This variant has not been reported in the literature in individuals affected with CBL-related conditions. This variant is not present in population databases (gnomAD no frequency). This sequence change replaces leucine, which is neutral and non-polar, with serine, which is neutral and polar, at codon 803 of the CBL protein (p.Leu803Ser).

NM_005188.4(CBL):c.2408T>C (p.Leu803Ser)

Gene: CBL (Cbl proto-oncogene; plus strand). Cytogenetic location: 11q23.3.
Variant type: single nucleotide variant.
Coding change: c.2408T>C on transcript NM_005188.4 (MANE Select); coding-DNA position 2408, T replaced by C.
Protein change: p.Leu803Ser; replaces leucine 803 with serine.
Molecular consequence: missense variant.
Genome position (GRCh38, 1-based): chr11:119,298,514, T>C. VCF-style: chr11-119298514-T-C. GRCh37 (hg19) VCF-style: chr11-119169224-T-C.
Other names: short protein forms L803S.
Identifiers: ClinVar variation 1427419 (VCV001427419.6), dbSNP rs2135321296, ClinGen allele CA382930265.